The following is an entry in ClinVar:

NM_016507.4(CDK12):c.124C>T (p.His42Tyr)

Genes: CDK12 (cyclin dependent kinase 12; plus strand), LOC126862553 (CDK7 strongly-dependent group 2 enhancer GRCh37_chr17:37618166-37619365; plus strand). Cytogenetic location: 17q12.
Variant type: single nucleotide variant.
Coding change: c.124C>T on transcript NM_016507.4 (MANE Select); coding-DNA position 124, C replaced by T.
Protein change: p.His42Tyr; replaces histidine 42 with tyrosine.
Molecular consequence: missense variant.
Genome position (GRCh38, 1-based): chr17:39,462,195, C>T. VCF-style: chr17-39462195-C-T. GRCh37 (hg19) VCF-style: chr17-37618448-C-T.
Other names: c.124C>T, p.His42Tyr (NM_015083.4); short protein forms H42Y.
Identifiers: ClinVar variation 3830723 (VCV003830723.1).

ClinVar aggregate classification (germline): Uncertain significance (1 of 4 stars; one submission).

gnomAD v4.1: 4 of 1,614,212 alleles (0.00025%); highest among the groups gnomAD compares: Non-Finnish European, 0.00034%; no homozygotes.

Submission:

Ambry Genetics
Classification: Uncertain significance. Last evaluated: 2025-02-28. Review status: criteria provided, single submitter. Criteria: Ambry Variant Classification Scheme 2023. Collection method: clinical testing. Allele origin: germline.
Comment: The p.H42Y variant (also known as c.124C>T), located in coding exon 1 of the CDK12 gene, results from a C to T substitution at nucleotide position 124. The histidine at codon 42 is replaced by tyrosine, an amino acid with similar properties. This amino acid position is conserved. In addition, the in silico prediction for this alteration is inconclusive. Based on the available evidence, the clinical significance of this variant remains unclear.